The following is an entry in ClinVar:

NM_007126.5(VCP):c.*1001C>T

Gene: VCP (valosin containing protein; minus strand). Cytogenetic location: 9p13.3.
Variant type: single nucleotide variant.
Coding change: c.*1001C>T on transcript NM_007126.5 (MANE Select); 1001 bases downstream of the stop codon, C replaced by T.
Molecular consequence: 3 prime UTR variant.
Genome position (GRCh38, 1-based): chr9:35,056,116, G>A on the plus strand (C>T on the coding strand, the complement: VCP is on the minus strand). VCF-style: chr9-35056116-G-A. GRCh37 (hg19) VCF-style: chr9-35056113-G-A.
Other names: c.*1001C>T (NM_001354928.2, NM_001354927.2).
Identifiers: ClinVar variation 912608 (VCV000912608.4), dbSNP rs192556285, ClinGen allele CA15586737.

ClinVar aggregate classification (germline): Benign/Likely benign. Review status: criteria provided, single submitter (1 of 4 stars). 2 submissions from 1 submitter: Benign (1); Likely benign (1). Last evaluated 2018-01-12.

Conditions:
Frontotemporal dementia and/or amyotrophic lateral sclerosis 6 (FTDALS6). Also called: VCP-Related Amyotrophic Lateral Sclerosis; VCP-Related Amyotrophic Lateral Sclerosis/Frontotemporal Dementia. Identifiers: Orphanet 275872, Orphanet 803, MedGen C5436279, MONDO:0013501, OMIM 613954.
Inclusion body myopathy with Paget disease of bone and frontotemporal dementia type 1. Also called: Inclusion body myopathy with early-onset Paget disease with or without frontotemporal dementia 1; MULTISYSTEM PROTEINOPATHY 1; Inclusion body myopathy with early-onset Paget disease and frontotemporal dementia 1. Identifiers: MedGen C4551951, MONDO:0008178, OMIM 167320.

Allele frequency attached by ClinVar (database versions not stated): 1000 Genomes Project 0.00220; 1000 Genomes Project 30x 0.00344; gnomAD 0.00478 and 0.00482; TOPMed 0.00529.

Submissions (2):

Illumina Laboratory Services, Illumina
Classification: Likely benign for Frontotemporal dementia and/or amyotrophic lateral sclerosis 6. Last evaluated: 2018-01-12. Review status: criteria provided, single submitter. Criteria: ICSL Variant Classification Criteria 13 December 2019. Collection method: clinical testing. Allele origin: germline.
Comment: This variant was observed in the ICSL laboratory as part of a predisposition screen in an ostensibly healthy population. It had not been previously curated by ICSL or reported in the Human Gene Mutation Database (HGMD: prior to June 1st, 2018), and was therefore a candidate for classification through an automated scoring system. Utilizing variant allele frequency, disease prevalence and penetrance estimates, and inheritance mode, an automated score was calculated to assess if this variant is too frequent to cause the disease. Based on the score and internal cut-off values, a variant classified as likely benign is not then subjected to further curation. The score for this variant resulted in a classification of likely benign for this disease.

Illumina Laboratory Services, Illumina
Classification: Benign for Inclusion body myopathy with Paget disease of bone and frontotemporal dementia type 1. Last evaluated: 2018-01-12. Review status: criteria provided, single submitter. Criteria: ICSL Variant Classification Criteria 13 December 2019. Collection method: clinical testing. Allele origin: germline.
Comment: This variant was observed in the ICSL laboratory as part of a predisposition screen in an ostensibly healthy population. It had not been previously curated by ICSL or reported in the Human Gene Mutation Database (HGMD: prior to June 1st, 2018), and was therefore a candidate for classification through an automated scoring system. Utilizing variant allele frequency, disease prevalence and penetrance estimates, and inheritance mode, an automated score was calculated to assess if this variant is too frequent to cause the disease. Based on the score and internal cut-off values, a variant classified as benign is not then subjected to further curation. The score for this variant resulted in a classification of benign for this disease.